The following is an entry in ClinVar:

NM_001110556.2(FLNA):c.4592C>G (p.Pro1531Arg)

Gene: FLNA (filamin A; minus strand). Cytogenetic location: Xq28.
Variant type: single nucleotide variant.
Coding change: c.4592C>G on transcript NM_001110556.2 (MANE Select); coding-DNA position 4592, C replaced by G.
Protein change: p.Pro1531Arg; replaces proline 1531 with arginine.
Molecular consequence: missense variant.
Genome position (GRCh38, 1-based): chrX:154,358,451, G>C on the plus strand (C>G on the coding strand, the complement: FLNA is on the minus strand). VCF-style: chrX-154358451-G-C. GRCh37 (hg19) VCF-style: chrX-153586819-G-C.
Other names: c.4592C>G, p.Pro1531Arg (NM_001456.4); short protein forms P1531R.
Identifiers: ClinVar variation 1801990 (VCV001801990.1), dbSNP rs2522735584, ClinGen allele CA415215222.
Genomic context (GRCh38, chrX:154,358,451, plus strand): 5'-TTCTCAGCATCCAGCCTGGGCCACTCCCCACAGGCAGCAGGCCCTGCCTCTTACCTCCGG[G>C]GTACCTCTTCATCTCCATACAGTACTGAGATGCTGTAGGGCCCTTCTCGGCTGGGCACAT-3'
Protein context (NP_001104026.1, residues 1521-1541): ISVLYGDEEV[Pro1531Arg]RSPFKVKVLP

ClinVar aggregate classification (germline): Uncertain significance (1 of 4 stars; one submission).

Submission:

GeneDx
Classification: Uncertain significance. Last evaluated: 2022-05-12. Review status: criteria provided, single submitter. Criteria: GeneDx Variant Classification Process June 2021. Collection method: clinical testing. Allele origin: germline. Affected: yes.
Comment: Has not been previously published as pathogenic or benign to our knowledge; Not observed at significant frequency in large population cohorts (gnomAD); In silico analysis supports that this missense variant has a deleterious effect on protein structure/function